The following is an entry in ClinVar:

ClinVar aggregate classification (germline): Likely benign. Review status: criteria provided, multiple submitters, no conflicts (2 of 4 stars). 4 submissions from 4 submitters: Likely benign (4). Last evaluated 2025-02-28.

Conditions:
Inborn genetic diseases. Identifiers: MedGen C0950123, MeSH D030342.
LRSAM1-related disorder. Also called: LRSAM1-related condition.

Allele frequency attached by ClinVar (database versions not stated): TOPMed 0.00006; gnomAD 0.00007 and 0.00008; ExAC 0.00008; gnomAD exomes 0.00008; ESP Exome Variant Server 0.00015.
gnomAD v4.1: 128 of 1,614,122 alleles (0.0079%); highest among the groups gnomAD compares: Non-Finnish European, 0.0099%; 1 homozygote.

Submissions (4):

PreventionGenetics, part of Exact Sciences
Classification: Likely benign for LRSAM1-related condition. Last evaluated: 2025-02-28. Review status: criteria provided, single submitter. Criteria: ACMG Guidelines, 2015. Collection method: clinical testing. Allele origin: germline.
Comment: This variant is classified as likely benign based on ACMG/AMP sequence variant interpretation guidelines (Richards et al. 2015 PMID: 25741868, with internal and published modifications).

CeGaT Center for Human Genetics Tuebingen
Classification: Likely benign. Last evaluated: 2023-09-01. Review status: criteria provided, single submitter. Criteria: CeGaT Center For Human Genetics Tuebingen Variant Classification Criteria Version 2. Collection method: clinical testing. Allele origin: germline. Affected: yes. Observed: 2 variant alleles.
Comment: LRSAM1: BP4

Ambry Genetics
Classification: Likely benign for Inborn genetic diseases. Last evaluated: 2019-07-11. Review status: criteria provided, single submitter. Criteria: Ambry Variant Classification Scheme 2023. Collection method: clinical testing. Allele origin: germline.

GeneDx
Classification: Likely benign. Last evaluated: 2018-07-09. Review status: criteria provided, single submitter. Criteria: GeneDx Variant Classification Process June 2021. Collection method: clinical testing. Allele origin: germline. Affected: yes.

NM_001005373.4(LRSAM1):c.1027C>T (p.Leu343=)

Gene: LRSAM1 (leucine rich repeat and sterile alpha motif containing 1; plus strand). Cytogenetic location: 9q33.3.
Variant type: single nucleotide variant.
Coding change: c.1027C>T on transcript NM_001005373.4 (MANE Select); coding-DNA position 1027, C replaced by T.
Protein change: p.Leu343=; no amino-acid change (leucine 343 retained).
Molecular consequence: synonymous variant. On other transcripts: non-coding transcript variant (2).
Genome position (GRCh38, 1-based): chr9:127,479,962, C>T. VCF-style: chr9-127479962-C-T. GRCh37 (hg19) VCF-style: chr9-130242241-C-T.
Other names: c.1027C>T (NM_138361.4); c.1027C>T, p.Leu343= (NM_001005374.4, NM_001190723.3, NM_001384142.1 and 2 more transcripts); c.238C>T, p.Leu80= (NM_001384144.1).
Identifiers: ClinVar variation 374631 (VCV000374631.46), dbSNP rs369353985, ClinGen allele CA5246786.